The following is an entry in ClinVar:

ClinVar aggregate classification (germline): Uncertain significance (1 of 4 stars; one submission).

Conditions:
Chuvash polycythemia. Also called: POLYCYTHEMIA, VHL-DEPENDENT. Identifiers: Orphanet 238557, MedGen C1837915, MONDO:0009892, OMIM 263400.
Von Hippel-Lindau syndrome (VHLS). Also called: von Hippel–Lindau syndrome; Von Hippel-Lindau; VHL syndrome. Identifiers: Orphanet 892, MedGen C0019562, MONDO:0008667, OMIM 193300. Disease mechanism: loss of function.

Submission:

Labcorp Genetics (formerly Invitae), Labcorp
Classification: Uncertain significance for Von Hippel-Lindau syndrome; Chuvash polycythemia. Last evaluated: 2024-05-01. Review status: criteria provided, single submitter. Criteria: Invitae Variant Classification Sherloc (09022015). Collection method: clinical testing. Allele origin: germline.
Comment: This sequence change falls in intron 1 of the VHL gene. It is not expected to change the encoded amino acid sequence of the VHL protein. However, this sequence change falls within a cryptic exon in the VHL gene, known as exon E1’, which is naturally expressed at low levels in several human tissues (PMID: 29891534). This variant is not present in population databases (gnomAD no frequency). This variant has not been reported in the literature in individuals affected with VHL-related conditions. ClinVar contains an entry for this variant (Variation ID: 1934056). Studies have shown that this variant is associated with inconclusive levels of altered splicing (Invitae). In summary, the available evidence is currently insufficient to determine the role of this variant in disease. Therefore, it has been classified as a Variant of Uncertain Significance.

Literature cited by the submitters: PubMed 29891534.

NM_000551.4(VHL):c.340+591T>C

Genes: VHL (von Hippel-Lindau tumor suppressor; plus strand), LOC107303340 (3p25 von Hippel-Lindau tumor suppressor, E3 ubiquitin protein ligase Alu-mediated recombination region; plus strand). Cytogenetic location: 3p25.3.
Variant type: single nucleotide variant.
Coding change: c.340+591T>C on transcript NM_000551.4 (MANE Select); 591 bases into the intron after coding-DNA position 340, T replaced by C.
Molecular consequence: intron variant. On other transcripts: missense variant (1).
Genome position (GRCh38, 1-based): chr3:10,142,778, T>C. VCF-style: chr3-10142778-T-C. GRCh37 (hg19) VCF-style: chr3-10184462-T-C.
Other names: c.356T>C, p.Val119Ala (NM_001354723.2); c.340+591T>C (NM_198156.3); short protein forms V119A.
Identifiers: ClinVar variation 1934056 (VCV001934056.5), dbSNP rs2470159890, ClinGen allele CA2580068419.